The following is an entry in ClinVar:

ClinVar aggregate classification (germline): Pathogenic/Likely pathogenic. Review status: criteria provided, multiple submitters, no conflicts (2 of 4 stars). 3 submissions from 3 submitters: Pathogenic (2); Likely pathogenic (1). Last evaluated 2025-11-10.

Conditions:
Combined oxidative phosphorylation defect type 17. Also called: Combined oxidative phosphorylation deficiency 17. Identifiers: Orphanet 369913, MedGen C3809526, MONDO:0014190, OMIM 615440.

Allele frequency attached by ClinVar (database versions not stated): gnomAD 0.00001; TOPMed 0.00002; gnomAD exomes 0.00006; ExAC 0.00009.
gnomAD v4.1: 9 of 1,559,774 alleles (0.00058%); highest among the groups gnomAD compares: Admixed American, 0.017%; no homozygotes.

Submissions (3):

Labcorp Genetics (formerly Invitae), Labcorp
Classification: Pathogenic for Combined oxidative phosphorylation defect type 17. Last evaluated: 2025-11-10. Review status: criteria provided, single submitter. Criteria: Invitae Variant Classification Sherloc (09022015). Collection method: clinical testing. Allele origin: germline.
Comment: This sequence change creates a premature translational stop signal (p.Glu30*) in the ELAC2 gene. It is expected to result in an absent or disrupted protein product. Loss-of-function variants in ELAC2 are known to be pathogenic (PMID: 27769300, 31045291). This variant is present in population databases (rs767879725, gnomAD 0.03%). This variant has not been reported in the literature in individuals affected with ELAC2-related conditions. ClinVar contains an entry for this variant (Variation ID: 951292). For these reasons, this variant has been classified as Pathogenic.

Mayo Clinic Laboratories, Mayo Clinic
Classification: Likely pathogenic. Last evaluated: 2023-01-17. Review status: criteria provided, single submitter. Criteria: ACMG Guidelines, 2015. Collection method: clinical testing. Allele origin: germline. Observed: 1 variant allele.
Comment: PVS1

GeneID Lab - Advanced Molecular Diagnostics
Classification: Pathogenic for Combined oxidative phosphorylation defect type 17. Last evaluated: 2019-05-08. Review status: criteria provided, single submitter. Criteria: ACMG Guidelines, 2015. Collection method: clinical testing. Allele origin: germline. Affected: no. Observed: 1 variant allele.
Comment: This variant results in an amino acid alteration, replacing a glutamic acid (E) with a premature stop codon at position 30 noted as p.Glu30Ter or p.E30*. The substitution is predicted to result in a non-functional protein, either through protein truncation or nonsense-mediated mRNA decay. This variant is considered a non-tolerated amino acid change based on “in silico” prediction algorithms (disease causing), and it has been reported in the gnomAD database at a frequency of 0.000058.Based on these findings and the limited literature regarding this substitution we consider it as a “likely pathogenic variant”.

Literature cited by the submitters: PubMed 27769300 (cited by Labcorp Genetics (formerly Invitae), Labcorp); PubMed 31045291 (cited by Labcorp Genetics (formerly Invitae), Labcorp).

NM_018127.7(ELAC2):c.88G>T (p.Glu30Ter)

Gene: ELAC2 (elaC ribonuclease Z 2; minus strand). Cytogenetic location: 17p12.
Variant type: single nucleotide variant.
Coding change: c.88G>T on transcript NM_018127.7 (MANE Select); coding-DNA position 88, G replaced by T.
Protein change: p.Glu30Ter; replaces glutamic acid 30 with a stop codon.
Molecular consequence: nonsense.
Genome position (GRCh38, 1-based): chr17:13,017,860, C>A on the plus strand (G>T on the coding strand, the complement: ELAC2 is on the minus strand). VCF-style: chr17-13017860-C-A. GRCh37 (hg19) VCF-style: chr17-12921177-C-A.
Other names: p.Glu30*; c.88G>T, p.Glu30Ter (NM_001165962.2, NM_173717.2); short protein forms E30*.
Identifiers: ClinVar variation 951292 (VCV000951292.9), dbSNP rs767879725, ClinGen allele CA8401842.